The following is an entry in ClinVar:

NM_153252.5(BRWD3):c.*575G>T

Gene: BRWD3 (bromodomain and WD repeat domain containing 3; minus strand). Cytogenetic location: Xq21.1.
Variant type: single nucleotide variant.
Coding change: c.*575G>T on transcript NM_153252.5 (MANE Select); 575 bases downstream of the stop codon, G replaced by T.
Molecular consequence: 3 prime UTR variant.
Genome position (GRCh38, 1-based): chrX:80,676,034, C>A on the plus strand (G>T on the coding strand, the complement: BRWD3 is on the minus strand). VCF-style: chrX-80676034-C-A. GRCh37 (hg19) VCF-style: chrX-79931533-C-A.
Identifiers: ClinVar variation 976586 (VCV000976586.4), dbSNP rs776687351, ClinGen allele CA331835701.
Genomic context (GRCh38, chrX:80,676,034, plus strand): 5'-ATATCAAGATCCCCCCACCCCCCAAAAAACTGTAGTATAAATATATACTTCAGTTCAGTA[C>A]AAGTCATGAAAGTTTGGCCTGGGAAGAGTAAAATAATCCAGATCGCTCTTACAATATAGA-3'

ClinVar aggregate classification (germline): Benign (1 of 4 stars; one submission).

Conditions:
Intellectual developmental disorder, X-linked 93. Also called: Intellectual disability, X-linked 93; MENTAL RETARDATION, X-LINKED, WITH MACROCEPHALY. Identifiers: MedGen C1970841, MONDO:0010393, OMIM 300659.

Allele frequency attached by ClinVar (database versions not stated): TOPMed 0.00006; 1000 Genomes Project 0.00079; gnomAD 0.00016 and 0.00010; 1000 Genomes Project 30x 0.00062.

Submission:

Illumina Laboratory Services, Illumina
Classification: Benign for Intellectual developmental disorder, X-linked 93. Last evaluated: 2018-01-12. Review status: criteria provided, single submitter. Criteria: ICSL Variant Classification Criteria 13 December 2019. Collection method: clinical testing. Allele origin: germline.
Comment: This variant was observed in the ICSL laboratory as part of a predisposition screen in an ostensibly healthy population. It had not been previously curated by ICSL or reported in the Human Gene Mutation Database (HGMD: prior to June 1st, 2018), and was therefore a candidate for classification through an automated scoring system. Utilizing variant allele frequency, disease prevalence and penetrance estimates, and inheritance mode, an automated score was calculated to assess if this variant is too frequent to cause the disease. Based on the score and internal cut-off values, a variant classified as benign is not then subjected to further curation. The score for this variant resulted in a classification of benign for this disease.